The following is an entry in ClinVar:

NM_033026.6(PCLO):c.14569C>G (p.His4857Asp)

Gene: PCLO (piccolo presynaptic cytomatrix protein; minus strand). Cytogenetic location: 7q21.11.
Variant type: single nucleotide variant.
Coding change: c.14569C>G on transcript NM_033026.6 (MANE Select); coding-DNA position 14569, C replaced by G.
Protein change: p.His4857Asp; replaces histidine 4857 with aspartic acid.
Molecular consequence: missense variant.
Genome position (GRCh38, 1-based): chr7:82,824,263, G>C on the plus strand (C>G on the coding strand, the complement: PCLO is on the minus strand). VCF-style: chr7-82824263-G-C. GRCh37 (hg19) VCF-style: chr7-82453579-G-C.
Other names: c.14569C>G, p.His4857Asp (NM_014510.3); short protein forms H4857D.
Identifiers: ClinVar variation 2009500 (VCV002009500.4), dbSNP rs2535263186, ClinGen allele CA368019989.

ClinVar aggregate classification (germline): Uncertain significance (1 of 4 stars; one submission).

Submission:

Labcorp Genetics (formerly Invitae), Labcorp
Classification: Uncertain significance. Last evaluated: 2022-06-22. Review status: criteria provided, single submitter. Criteria: Invitae Variant Classification Sherloc (09022015). Collection method: clinical testing. Allele origin: germline.
Comment: In summary, the available evidence is currently insufficient to determine the role of this variant in disease. Therefore, it has been classified as a Variant of Uncertain Significance. Algorithms developed to predict the effect of missense changes on protein structure and function are either unavailable or do not agree on the potential impact of this missense change (SIFT: "Deleterious"; PolyPhen-2: "Not Available"; Align-GVGD: "Class C0"). This variant has not been reported in the literature in individuals affected with PCLO-related conditions. This variant is not present in population databases (gnomAD no frequency). This sequence change replaces histidine, which is basic and polar, with aspartic acid, which is acidic and polar, at codon 4857 of the PCLO protein (p.His4857Asp).